The following is an entry in ClinVar:

NM_024675.4(PALB2):c.3549C>T (p.Tyr1183=)

Gene: PALB2 (partner and localizer of BRCA2; minus strand). Cytogenetic location: 16p12.2.
Variant type: single nucleotide variant.
Coding change: c.3549C>T on transcript NM_024675.4 (MANE Select); coding-DNA position 3549, C replaced by T.
Protein change: p.Tyr1183=; no amino-acid change (tyrosine 1183 retained).
Molecular consequence: synonymous variant.
Genome position (GRCh38, 1-based): chr16:23,603,471, G>A on the plus strand (C>T on the coding strand, the complement: PALB2 is on the minus strand). VCF-style: chr16-23603471-G-A. GRCh37 (hg19) VCF-style: chr16-23614792-G-A.
Identifiers: ClinVar variation 830211 (VCV000830211.1), dbSNP rs118203998, ClinGen allele CA494173490.
Genomic context (GRCh38, chr16:23,603,471, plus strand): 5'-TAAGAGGCCCAATATATCCAGAAAATTGTGTTTTCACTTTACCCTAACTTATGAATAGTG[G>A]TATACAAATATATTTCCATCTTTTTGTCCAGCCAGCAAATGAGAGTCTGTACCCGACCAT-3'
Protein context (NP_078951.2, residues 1173-1186): AGQKDGNIFV[Tyr1183=]HYS

ClinVar aggregate classification (germline): Uncertain significance (0 of 4 stars; one submission).

Submission:

Leiden Open Variation Database
Classification: Uncertain significance. Last evaluated: 2018-08-25. Review status: no assertion criteria provided. Collection method: curation. Allele origin: germline. Affected: yes.
Comment: Curators: Marc Tischkowitz, Arleen D. Auerbach. Submitter to LOVD: Yukihide Momozawa.

Literature cited by the submitters: PubMed 30287823.